The following is an entry in ClinVar:

ClinVar aggregate classification (germline): Conflicting classifications of pathogenicity. Review status: criteria provided, conflicting classifications (1 of 4 stars). 6 submissions from 6 submitters: Uncertain significance (2); Likely benign (1). 3 of the submissions do not count toward it. Last evaluated 2024-10-31.

Conditions:
Cardiovascular phenotype. Identifiers: MedGen CN230736.
Emery-Dreifuss muscular dystrophy (EDMD). Also called: Scapuloperoneal syndrome, X-linked (formerly); Humeroperoneal neuromuscular disease, (formerly). Identifiers: Orphanet 261, MedGen C0410189, MONDO:0016830.
X-linked Emery-Dreifuss muscular dystrophy. Also called: Muscular dystrophy, tardive Emery-Dreifuss type, with contractures. Identifiers: Orphanet 261, Orphanet 98863, MedGen C0751337, MONDO:0010680.

Allele frequency attached by ClinVar (database versions not stated): ExAC 0.00001; gnomAD exomes 0.00001; TOPMed 0.00001.

Submissions (6):

Labcorp Genetics (formerly Invitae), Labcorp
Classification: Uncertain significance for X-linked Emery-Dreifuss muscular dystrophy. Last evaluated: 2024-10-31. Review status: criteria provided, single submitter. Criteria: Invitae Variant Classification Sherloc (09022015). Collection method: clinical testing. Allele origin: germline.
Comment: This sequence change replaces proline, which is neutral and non-polar, with histidine, which is basic and polar, at codon 50 of the EMD protein (p.Pro50His). This variant is present in population databases (rs782021157, gnomAD 0.003%), including at least one homozygous and/or hemizygous individual. This variant has not been reported in the literature in individuals affected with EMD-related conditions. ClinVar contains an entry for this variant (Variation ID: 285164). Invitae Evidence Modeling of protein sequence and biophysical properties (such as structural, functional, and spatial information, amino acid conservation, physicochemical variation, residue mobility, and thermodynamic stability) has been performed for this missense variant. However, the output from this modeling did not meet the statistical confidence thresholds required to predict the impact of this variant on EMD protein function. In summary, the available evidence is currently insufficient to determine the role of this variant in disease. Therefore, it has been classified as a Variant of Uncertain Significance.

Ambry Genetics
Classification: Likely benign for Cardiovascular phenotype. Last evaluated: 2024-01-16. Review status: criteria provided, single submitter. Criteria: Ambry Variant Classification Scheme 2023. Collection method: clinical testing. Allele origin: germline.

Eurofins Ntd Llc (ga)
Classification: Uncertain significance. Last evaluated: 2015-12-08. Review status: criteria provided, single submitter. Criteria: EGL Classification Definitions 2015. Collection method: clinical testing. Allele origin: germline. Observed: 1 variant allele, 1 heterozygote.

Natera, Inc.
Classification: Uncertain significance for Emery-Dreifuss muscular dystrophy. Last evaluated: 2021-01-04. Review status: no assertion criteria provided. Collection method: clinical testing. Allele origin: germline. Not counted in ClinVar's aggregate classification.

Diagnostic Laboratory, Department of Genetics, University Medical Center Groningen
Classification: Uncertain significance. Review status: no assertion criteria provided. Collection method: clinical testing. Allele origin: germline. Affected: yes. Study: VKGL Data-share Consensus. Not counted in ClinVar's aggregate classification.

Joint Genome Diagnostic Labs from Nijmegen and Maastricht, Radboudumc and MUMC+
Classification: Uncertain significance. Review status: no assertion criteria provided. Collection method: clinical testing. Allele origin: germline. Affected: yes. Study: VKGL Data-share Consensus. Not counted in ClinVar's aggregate classification.

NM_000117.3(EMD):c.149C>A (p.Pro50His)

Gene: EMD (emerin; plus strand). Cytogenetic location: Xq28.
Variant type: single nucleotide variant.
Coding change: c.149C>A on transcript NM_000117.3 (MANE Select); coding-DNA position 149, C replaced by A.
Protein change: p.Pro50His; replaces proline 50 with histidine.
Molecular consequence: missense variant.
Genome position (GRCh38, 1-based): chrX:154,379,756, C>A. VCF-style: chrX-154379756-C-A. GRCh37 (hg19) VCF-style: chrX-153608116-C-A.
Other names: c.149C>A (NM_000117.2); short protein forms P50H.
Identifiers: ClinVar variation 285164 (VCV000285164.17), dbSNP rs782021157, ClinGen allele CA10561516.